The following is an entry in ClinVar:

ClinVar aggregate classification (germline): Pathogenic (1 of 4 stars; one submission).

Submission:

Labcorp Genetics (formerly Invitae), Labcorp
Classification: Pathogenic. Last evaluated: 2024-11-05. Review status: criteria provided, single submitter. Criteria: Invitae Variant Classification Sherloc (09022015). Collection method: clinical testing. Allele origin: germline.
Comment: This sequence change creates a premature translational stop signal (p.Leu513Alafs*5) in the ADAMTSL4 gene. It is expected to result in an absent or disrupted protein product. Loss-of-function variants in ADAMTSL4 are known to be pathogenic (PMID: 20564469, 28642162). This variant is not present in population databases (gnomAD no frequency). This variant has not been reported in the literature in individuals affected with ADAMTSL4-related conditions. ClinVar contains an entry for this variant (Variation ID: 2074973). For these reasons, this variant has been classified as Pathogenic.

Literature cited by the submitters: PubMed 20564469; PubMed 28642162.

NM_019032.6(ADAMTSL4):c.1537_1545delinsGCTAGGCCCAGCTAGGCCTAGCTAGGCCCAGCTAGGCCGGGGCTAG (p.Leu513_Ile515delinsAlaArgProSerTer)

Genes: ADAMTSL4 (ADAMTS like 4; plus strand), ADAMTSL4-AS2 (ADAMTSL4 antisense RNA 2; minus strand). Cytogenetic location: 1q21.2.
Variant type: Indel.
Coding change: c.1537_1545delinsGCTAGGCCCAGCTAGGCCTAGCTAGGCCCAGCTAGGCCGGGGCTAG on transcript NM_019032.6 (MANE Select); coding-DNA positions 1537 to 1545, the reference bases replaced by an inserted sequence.
Protein change: p.Leu513_Ile515delinsAlaArgProSerTer.
Molecular consequence: nonsense.
Genome position (GRCh38, 1-based): chr1:150,556,327-150,556,335, 9 bases replaced. GRCh37 (hg19): chr1:150,528,803-150,528,811.
Other names: c.1606_1614delinsGCTAGGCCCAGCTAGGCCTAGCTAGGCCCAGCTAGGCCGGGGCTAG, p.Leu536_Ile538delinsAlaArgProSerTer (NM_001288607.2, NM_001288608.2); c.1537_1545delinsGCTAGGCCCAGCTAGGCCTAGCTAGGCCCAGCTAGGCCGGGGCTAG, p.Leu513_Ile515delinsAlaArgProSerTer (NM_001378596.1, NM_025008.5).
Identifiers: ClinVar variation 2074973 (VCV002074973.4), dbSNP rs2526695675, ClinGen allele CA2580061030.